The following is an entry in ClinVar:

ClinVar aggregate classification (germline): Conflicting classifications of pathogenicity. Review status: criteria provided, conflicting classifications (1 of 4 stars). 5 submissions from 5 submitters: Uncertain significance (1); Benign (1); Likely benign (3). Last evaluated 2025-12-22.

Conditions:
Multiple endocrine neoplasia, type 1 (MEN1). Also called: MEA I; MEN I; WERMER SYNDROME; Endocrine adenomatosis multiple; MEN 1. Identifiers: Orphanet 652, MedGen C0025267, MeSH D018761, MONDO:0007540, OMIM 131100.
Hereditary cancer-predisposing syndrome. Also called: Hereditary neoplastic syndrome; Neoplastic Syndromes, Hereditary; Tumor predisposition; Hereditary Cancer Syndrome. Identifiers: Orphanet 140162, MedGen C0027672, MeSH D009386, MONDO:0015356.

Allele frequency attached by ClinVar (database versions not stated): gnomAD 0.00002; gnomAD exomes 0.00002 and 0.00003; TOPMed 0.00003; ExAC 0.00005; ESP Exome Variant Server 0.00008.

Submissions (5):

Labcorp Genetics (formerly Invitae), Labcorp
Classification: Likely benign for Multiple endocrine neoplasia, type 1. Last evaluated: 2025-12-22. Review status: criteria provided, single submitter. Criteria: Invitae Variant Classification Sherloc (09022015). Collection method: clinical testing. Allele origin: germline.

Quest Diagnostics Nichols Institute San Juan Capistrano
Classification: Uncertain significance. Last evaluated: 2025-08-06. Review status: criteria provided, single submitter. Criteria: Quest Diagnostics criteria. Collection method: clinical testing. Allele origin: unknown.

Myriad Genetics, Inc.
Classification: Benign for Multiple endocrine neoplasia, type 1. Last evaluated: 2024-11-04. Review status: criteria provided, single submitter. Criteria: Myriad Autosomal Dominant, Autosomal Recessive and X-Linked Classification Criteria (2023). Collection method: clinical testing. Allele origin: unknown.
Comment: This variant is considered benign. This variant is a silent/synonymous amino acid change and it is not expected to impact splicing.

Color Diagnostics, LLC DBA Color Health
Classification: Likely benign for Multiple endocrine neoplasia, type 1. Last evaluated: 2022-11-06. Review status: criteria provided, single submitter. Criteria: ACMG Guidelines, 2015. Collection method: clinical testing. Allele origin: germline.

Ambry Genetics
Classification: Likely benign for Hereditary cancer-predisposing syndrome. Last evaluated: 2016-07-11. Review status: criteria provided, single submitter. Criteria: Ambry Variant Classification Scheme 2023. Collection method: clinical testing. Allele origin: germline.

NM_001370259.2(MEN1):c.993C>T (p.Asn331=)

Gene: MEN1 (menin 1; minus strand). Cytogenetic location: 11q13.1.
Variant type: single nucleotide variant.
Coding change: c.993C>T on transcript NM_001370259.2 (MANE Select); coding-DNA position 993, C replaced by T.
Protein change: p.Asn331=; no amino-acid change (asparagine 331 retained).
Molecular consequence: synonymous variant.
Genome position (GRCh38, 1-based): chr11:64,806,288, G>A on the plus strand (C>T on the coding strand, the complement: MEN1 is on the minus strand). VCF-style: chr11-64806288-G-A. GRCh37 (hg19) VCF-style: chr11-64573760-G-A.
Other names: c.1008C>T, p.Asn336= (NM_000244.4, NM_130800.3, NM_130801.3 and 3 more transcripts); c.993C>T, p.Asn331= (NM_001370251.2, NM_001370260.2, NM_001370261.2 and 1 more transcripts); c.888C>T, p.Asn296= (NM_001370262.2, NM_001370263.2).
Identifiers: ClinVar variation 412569 (VCV000412569.18), dbSNP rs370176253, ClinGen allele CA061914.